The following is an entry in ClinVar:

ClinVar aggregate classification (germline): Uncertain significance (1 of 4 stars; one submission).

Conditions:
Mitochondrial complex II deficiency, nuclear type 1. Also called: SUCCINATE CoQ REDUCTASE DEFICIENCY. Identifiers: Orphanet 3208, MedGen C5700310, MONDO:0100294, OMIM 252011.
Pheochromocytoma/paraganglioma syndrome 5. Also called: Paragangliomas 5; SDHA-Related Hereditary Paraganglioma-Pheochromocytoma Syndrome. Identifiers: Orphanet 29072, MedGen C3279992, MONDO:0013602, OMIM 614165.

Submission:

Labcorp Genetics (formerly Invitae), Labcorp
Classification: Uncertain significance for Pheochromocytoma/paraganglioma syndrome 5; Mitochondrial complex II deficiency, nuclear type 1. Last evaluated: 2025-11-13. Review status: criteria provided, single submitter. Criteria: Invitae Variant Classification Sherloc (09022015). Collection method: clinical testing. Allele origin: germline.
Comment: This sequence change replaces valine, which is neutral and non-polar, with alanine, which is neutral and non-polar, at codon 25 of the SDHA protein (p.Val25Ala). This variant is not present in population databases (gnomAD no frequency). This variant has not been reported in the literature in individuals affected with SDHA-related conditions. ClinVar contains an entry for this variant (Variation ID: 1461320). Invitae Evidence Modeling of protein sequence and biophysical properties (such as structural, functional, and spatial information, amino acid conservation, physicochemical variation, residue mobility, and thermodynamic stability) indicates that this missense variant is not expected to disrupt SDHA protein function with a negative predictive value of 95%. In summary, the available evidence is currently insufficient to determine the role of this variant in disease. Therefore, it has been classified as a Variant of Uncertain Significance.

NM_004168.4(SDHA):c.74T>C (p.Val25Ala)

Gene: SDHA (succinate dehydrogenase complex flavoprotein subunit A; plus strand). Cytogenetic location: 5p15.33.
Variant type: single nucleotide variant.
Coding change: c.74T>C on transcript NM_004168.4 (MANE Select); coding-DNA position 74, T replaced by C.
Protein change: p.Val25Ala; replaces valine 25 with alanine.
Molecular consequence: missense variant.
Genome position (GRCh38, 1-based): chr5:223,492, T>C. VCF-style: chr5-223492-T-C. GRCh37 (hg19) VCF-style: chr5-223607-T-C.
Other names: c.74T>C, p.Val25Ala (NM_001294332.2, NM_001330758.2); short protein forms V25A.
Identifiers: ClinVar variation 1461320 (VCV001461320.6), dbSNP rs2126539437, ClinGen allele CA359008082.
Genomic context (GRCh38, chr5:223,492, plus strand): 5'-TGTTCCTTCAGGACACTAACCCTCTGGATCTGTGTCTTCTGTGTCTCCAGTGGCCAACAG[T>C]GTTGCAAACAGGAACCCGAGGTTTTCACTTCACTGTTGATGGGAACAAGAGGGCATCTGC-3'
Protein context (NP_004159.2, residues 15-35): RLALAKAWPT[Val25Ala]LQTGTRGFHF